The following is an entry in ClinVar:

ClinVar aggregate classification (germline): Uncertain significance. Review status: criteria provided, multiple submitters, no conflicts (2 of 4 stars). 3 submissions from 3 submitters: Uncertain significance (3). Last evaluated 2025-11-02.

Allele frequency attached by ClinVar (database versions not stated): ExAC 0.00001; gnomAD exomes 0.00002; gnomAD 0.00005; TOPMed 0.00005.
gnomAD v4.1: 34 of 1,613,672 alleles (0.0021%); highest among the groups gnomAD compares: Non-Finnish European, 0.0027%; no homozygotes.

Submissions (3):

Labcorp Genetics (formerly Invitae), Labcorp
Classification: Uncertain significance. Last evaluated: 2025-11-02. Review status: criteria provided, single submitter. Criteria: Invitae Variant Classification Sherloc (09022015). Collection method: clinical testing. Allele origin: germline.
Comment: This sequence change replaces leucine, which is neutral and non-polar, with phenylalanine, which is neutral and non-polar, at codon 77 of the MTFMT protein (p.Leu77Phe). This variant is present in population databases (rs780539907, gnomAD 0.004%). This variant has not been reported in the literature in individuals affected with MTFMT-related conditions. ClinVar contains an entry for this variant (Variation ID: 1800501). Invitae Evidence Modeling of protein sequence and biophysical properties (such as structural, functional, and spatial information, amino acid conservation, physicochemical variation, residue mobility, and thermodynamic stability) indicates that this missense variant is expected to disrupt MTFMT protein function with a positive predictive value of 95%. In summary, the available evidence is currently insufficient to determine the role of this variant in disease. Therefore, it has been classified as a Variant of Uncertain Significance.

Blueprint Genetics
Classification: Uncertain significance. Last evaluated: 2024-01-24. Review status: criteria provided, single submitter. Criteria: ACMG Guidelines, 2015. Collection method: clinical testing. Allele origin: germline.

GeneDx
Classification: Uncertain significance. Last evaluated: 2022-11-21. Review status: criteria provided, single submitter. Criteria: GeneDx Variant Classification Process June 2021. Collection method: clinical testing. Allele origin: germline. Affected: yes.
Comment: Not observed at significant frequency in large population cohorts (gnomAD); In silico analysis supports that this missense variant has a deleterious effect on protein structure/function; Has not been previously published as pathogenic or benign to our knowledge

NM_139242.4(MTFMT):c.231A>T (p.Leu77Phe)

Gene: MTFMT (mitochondrial methionyl-tRNA formyltransferase; minus strand). Cytogenetic location: 15q22.31.
Variant type: single nucleotide variant.
Coding change: c.231A>T on transcript NM_139242.4 (MANE Select); coding-DNA position 231, A replaced by T.
Protein change: p.Leu77Phe; replaces leucine 77 with phenylalanine.
Molecular consequence: missense variant.
Genome position (GRCh38, 1-based): chr15:65,027,019, T>A on the plus strand (A>T on the coding strand, the complement: MTFMT is on the minus strand). VCF-style: chr15-65027019-T-A. GRCh37 (hg19) VCF-style: chr15-65319357-T-A.
Other names: short protein forms L77F.
Identifiers: ClinVar variation 1800501 (VCV001800501.3), dbSNP rs780539907, ClinGen allele CA7613412.